The following is an entry in ClinVar:

ClinVar aggregate classification (germline): Uncertain significance (1 of 4 stars; one submission).

Conditions:
Multiple endocrine neoplasia, type 1 (MEN1). Also called: MEN I; WERMER SYNDROME; Endocrine adenomatosis multiple; MEN 1; MEA I. Identifiers: Orphanet 652, MedGen C0025267, MeSH D018761, MONDO:0007540, OMIM 131100.

Allele frequency attached by ClinVar (database versions not stated): gnomAD exomes below 0.00001.

Submission:

Labcorp Genetics (formerly Invitae), Labcorp
Classification: Uncertain significance for Multiple endocrine neoplasia, type 1. Last evaluated: 2020-10-29. Review status: criteria provided, single submitter. Criteria: Invitae Variant Classification Sherloc (09022015). Collection method: clinical testing. Allele origin: germline.
Comment: In summary, the available evidence is currently insufficient to determine the role of this variant in disease. Therefore, it has been classified as a Variant of Uncertain Significance. This variant has not been reported in the literature in individuals with MEN1-related conditions. This variant is not present in population databases (ExAC no frequency). This sequence change replaces glycine with aspartic acid at codon 531 of the MEN1 protein (p.Gly531Asp). The glycine residue is weakly conserved and there is a moderate physicochemical difference between glycine and aspartic acid. Advanced modeling of protein sequence and biophysical properties (such as structural, functional, and spatial information, amino acid conservation, physicochemical variation, residue mobility, and thermodynamic stability) performed at Invitae indicates that this missense variant is not expected to disrupt MEN1 protein function.

NM_001370259.2(MEN1):c.1592G>A (p.Gly531Asp)

Gene: MEN1 (menin 1; minus strand). Cytogenetic location: 11q13.1.
Variant type: single nucleotide variant.
Coding change: c.1592G>A on transcript NM_001370259.2 (MANE Select); coding-DNA position 1592, G replaced by A.
Protein change: p.Gly531Asp; replaces glycine 531 with aspartic acid.
Molecular consequence: missense variant.
Genome position (GRCh38, 1-based): chr11:64,804,575, C>T on the plus strand (G>A on the coding strand, the complement: MEN1 is on the minus strand). VCF-style: chr11-64804575-C-T. GRCh37 (hg19) VCF-style: chr11-64572047-C-T.
Other names: c.1487G>A, p.Gly496Asp (NM_001370262.2, NM_001370263.2); c.1592G>A, p.Gly531Asp (NM_130799.3, NM_001370260.2, NM_001370261.2); c.1607G>A, p.Gly536Asp (NM_130800.3, NM_130801.3, NM_130802.3 and 3 more transcripts); c.1718G>A, p.Gly573Asp (NM_001370251.2); short protein forms G536D, G496D, G531D, G573D.
Identifiers: ClinVar variation 1039506 (VCV001039506.8), dbSNP rs1941517219, ClinGen allele CA381178247.